The following is an entry in ClinVar:

NM_031935.3(HMCN1):c.14095+3A>G

Gene: HMCN1 (hemicentin 1; plus strand). Cytogenetic location: 1q31.1.
Variant type: single nucleotide variant.
Coding change: c.14095+3A>G on transcript NM_031935.3 (MANE Select); 3 bases into the intron after coding-DNA position 14095, A replaced by G.
Molecular consequence: intron variant.
Genome position (GRCh38, 1-based): chr1:186,144,346, A>G. VCF-style: chr1-186144346-A-G. GRCh37 (hg19) VCF-style: chr1-186113478-A-G.
Identifiers: ClinVar variation 2035827 (VCV002035827.4), dbSNP rs2528121877, ClinGen allele CA2580061683.

ClinVar aggregate classification (germline): Uncertain significance (1 of 4 stars; one submission).

Allele frequency attached by ClinVar (database versions not stated): gnomAD exomes below 0.00001.
gnomAD v4.1: 2 of 1,613,092 alleles (0.00012%); highest among the groups gnomAD compares: African/African-American, 0.0027%; no homozygotes.

Submission:

Labcorp Genetics (formerly Invitae), Labcorp
Classification: Uncertain significance. Last evaluated: 2022-10-16. Review status: criteria provided, single submitter. Criteria: Invitae Variant Classification Sherloc (09022015). Collection method: clinical testing. Allele origin: germline.
Comment: This variant is not present in population databases (gnomAD no frequency). In summary, the available evidence is currently insufficient to determine the role of this variant in disease. Therefore, it has been classified as a Variant of Uncertain Significance. Variants that disrupt the consensus splice site are a relatively common cause of aberrant splicing (PMID: 17576681, 9536098). Algorithms developed to predict the effect of sequence changes on RNA splicing suggest that this variant may disrupt the consensus splice site. This variant has not been reported in the literature in individuals affected with HMCN1-related conditions. This sequence change falls in intron 90 of the HMCN1 gene. It does not directly change the encoded amino acid sequence of the HMCN1 protein. It affects a nucleotide within the consensus splice site.

Literature cited by the submitters: PubMed 17576681; PubMed 9536098.